The following is an entry in ClinVar:

NM_173660.5(DOK7):c.1339_1342del (p.Leu447fs)

Gene: DOK7 (docking protein 7; plus strand). Cytogenetic location: 4p16.3.
Variant type: Microsatellite.
Coding change: c.1339_1342del on transcript NM_173660.5 (MANE Select); coding-DNA positions 1339 to 1342, 4 bases deleted (CTGG; older notation c.1339_1342delCTGG).
Protein change: p.Leu447fs; shifts the reading frame from leucine 447.
Molecular consequence: frameshift variant. On other transcripts: 3 prime UTR variant (1).
Genome position (GRCh38, 1-based): chr4:3,493,325-3,493,328, CTGG deleted; deleting any 4 consecutive bases within chr4:3,493,317-3,493,328 gives the same sequence; the c. name uses the placement nearest the transcript's 3' end. VCF-style (leftmost placement, unchanged base first): chr4-3493316-TCTGG-T. GRCh37 (hg19) VCF-style: chr4-3495043-TCTGG-T.
Other names: c.*552CTGG[2] (NM_001164673.2); c.409_412del, p.Leu137fs (NM_001256896.2); c.1339_1342del, p.Leu447fs (NM_001301071.2); c.907_910del, p.Leu303fs (NM_001363811.2); short protein forms L137fs, L303fs, L447fs.
Identifiers: ClinVar variation 2674883 (VCV002674883.4), dbSNP rs606231131, ClinGen allele CA1434254821.

ClinVar aggregate classification (germline): Pathogenic/Likely pathogenic. Review status: criteria provided, multiple submitters, no conflicts (2 of 4 stars). 2 submissions from 2 submitters: Pathogenic (1); Likely pathogenic (1). Last evaluated 2023-06-11.

Conditions:
Fetal akinesia deformation sequence 3. Identifiers: MedGen C4760599, MONDO:0100103, OMIM 618389.
Fetal akinesia deformation sequence 1 (FADS1). Also called: Pena-Shokeir syndrome type I; Fetal akinesia sequence. Identifiers: Orphanet 994, MedGen C1276035, MONDO:0100101, OMIM 208150, HP:0001989.
Congenital myasthenic syndrome 10. Also called: Myasthenia, limb-girdle, familial. Identifiers: Orphanet 590, MedGen C1850792, MONDO:0009690, OMIM 254300.

Submissions (2):

Baylor Genetics
Classification: Likely pathogenic for Fetal akinesia deformation sequence 3. Last evaluated: 2023-06-11. Review status: criteria provided, single submitter. Criteria: ACMG Guidelines, 2015. Collection method: clinical testing. Allele origin: unknown.

Labcorp Genetics (formerly Invitae), Labcorp
Classification: Pathogenic for Congenital myasthenic syndrome 10; Fetal akinesia deformation sequence 1. Last evaluated: 2023-02-04. Review status: criteria provided, single submitter. Criteria: Invitae Variant Classification Sherloc (09022015). Collection method: clinical testing. Allele origin: germline.
Comment: This sequence change creates a premature translational stop signal (p.Leu447Alafs*8) in the DOK7 gene. While this is not anticipated to result in nonsense mediated decay, it is expected to disrupt the last 58 amino acid(s) of the DOK7 protein. This variant is not present in population databases (gnomAD no frequency). This variant has not been reported in the literature in individuals affected with DOK7-related conditions. This variant disrupts a region of the DOK7 protein in which other variant(s) (p.Pro486Argfs*15) have been determined to be pathogenic (PMID: 29118959). This suggests that this is a clinically significant region of the protein, and that variants that disrupt it are likely to be disease-causing. For these reasons, this variant has been classified as Pathogenic.

Literature cited by the submitters: PubMed 29118959 (cited by Labcorp Genetics (formerly Invitae), Labcorp).